The following is an entry in ClinVar:

NM_001159699.2(FHL1):c.190G>A (p.Gly64Ser)

Gene: FHL1 (four and a half LIM domains 1; plus strand). Cytogenetic location: Xq26.3.
Variant type: single nucleotide variant.
Coding change: c.190G>A on transcript NM_001159699.2 (MANE Select); coding-DNA position 190, G replaced by A.
Protein change: p.Gly64Ser; replaces glycine 64 with serine.
Molecular consequence: missense variant. On other transcripts: non-coding transcript variant (1).
Genome position (GRCh38, 1-based): chrX:136,206,574, G>A. VCF-style: chrX-136206574-G-A. GRCh37 (hg19) VCF-style: chrX-135288733-G-A.
Other names: c.142G>A, p.Gly48Ser (NM_001159700.2, NM_001159702.3, NM_001159703.2 and 9 more transcripts); c.229G>A, p.Gly77Ser (NM_001159701.2); c.190G>A, p.Gly64Ser (NM_001330659.2); short protein forms G48S, G64S, G77S.
Identifiers: ClinVar variation 1301466 (VCV001301466.31), dbSNP rs1467233713, ClinGen allele CA414607830.

ClinVar aggregate classification (germline): Uncertain significance. Review status: criteria provided, multiple submitters, no conflicts (2 of 4 stars). 4 submissions from 4 submitters: Uncertain significance (4). Last evaluated 2025-11-05.

Conditions:
X-linked myopathy with postural muscle atrophy. Also called: FHL1-Related Emery-Dreifuss Muscular Dystrophy, X-Linked. Identifiers: Orphanet 178461, MedGen C2678055, MONDO:0010401, OMIM 300696.
Cardiovascular phenotype. Identifiers: MedGen CN230736.

Allele frequency attached by ClinVar (database versions not stated): gnomAD exomes 0.00001; TOPMed 0.00001.
gnomAD v4.1: 7 of 1,212,485 alleles (0.00058%); highest among the groups gnomAD compares: East Asian, 0.003%; no homozygotes.

Submissions (4):

Ambry Genetics
Classification: Uncertain significance for Cardiovascular phenotype. Last evaluated: 2025-11-05. Review status: criteria provided, single submitter. Criteria: Ambry Variant Classification Scheme 2023. Collection method: clinical testing. Allele origin: germline.
Comment: The p.G48S variant (also known as c.142G>A), located in coding exon 1 of the FHL1 gene, results from a G to A substitution at nucleotide position 142. The glycine at codon 48 is replaced by serine, an amino acid with similar properties. This variant was reported in individual(s) with features consistent with hypertrophic cardiomyopathy (Walsh R. Genet Med. 2017 Feb;19(2):192-203). This amino acid position is not well conserved in available vertebrate species. In addition, this alteration is predicted to be tolerated by in silico analysis. Based on the available evidence, the clinical significance of this variant remains unclear for FHL1-related myopathy with hypertrophy; however, it is unlikely to be causative of reducing body myopathy.

Labcorp Genetics (formerly Invitae), Labcorp
Classification: Uncertain significance for X-linked myopathy with postural muscle atrophy. Last evaluated: 2025-09-02. Review status: criteria provided, single submitter. Criteria: Invitae Variant Classification Sherloc (09022015). Collection method: clinical testing. Allele origin: germline.
Comment: This sequence change replaces glycine, which is neutral and non-polar, with serine, which is neutral and polar, at codon 48 of the FHL1 protein (p.Gly48Ser). This variant is not present in population databases (gnomAD no frequency). This missense change has been observed in individual(s) with hypertrophic cardiomyopathy (PMID: 27532257). ClinVar contains an entry for this variant (Variation ID: 1301466). An algorithm developed to predict the effect of missense changes on protein structure and function outputs the following: PolyPhen-2: "Benign". The serine amino acid residue is found in multiple mammalian species, which suggests that this missense change does not adversely affect protein function. In summary, the available evidence is currently insufficient to determine the role of this variant in disease. Therefore, it has been classified as a Variant of Uncertain Significance.

GeneDx
Classification: Uncertain significance. Last evaluated: 2024-04-24. Review status: criteria provided, single submitter. Criteria: GeneDx Variant Classification Process June 2021. Collection method: clinical testing. Allele origin: germline. Affected: yes.
Comment: Reported in association with cardiomyopathy; however, specific clinical information was not provided (PMID: 27532257); In silico analysis supports that this missense variant has a deleterious effect on protein structure/function; This variant is associated with the following publications: (PMID: 17416352, 27532257)

CeGaT Center for Human Genetics Tuebingen
Classification: Uncertain significance. Last evaluated: 2023-06-01. Review status: criteria provided, single submitter. Criteria: CeGaT Center For Human Genetics Tuebingen Variant Classification Criteria Version 2. Collection method: clinical testing. Allele origin: germline. Affected: yes. Observed: 1 variant allele.
Comment: FHL1: PM2, BP4

Literature cited by the submitters: PubMed 27532257 (cited by Ambry Genetics and Labcorp Genetics (formerly Invitae), Labcorp).